The following is an entry in ClinVar:

ClinVar aggregate classification (germline): Uncertain significance. Review status: criteria provided, multiple submitters, no conflicts (2 of 4 stars). 2 submissions from 2 submitters: Uncertain significance (2). Last evaluated 2025-09-01.

Conditions:
Cardiovascular phenotype. Identifiers: MedGen CN230736.

Allele frequency attached by ClinVar (database versions not stated): gnomAD 0.00001; gnomAD exomes 0.00001 and 0.00002; TOPMed 0.00001; ExAC 0.00002.
gnomAD v4.1: 11 of 1,613,606 alleles (0.00068%); highest among the groups gnomAD compares: South Asian, 0.011%; no homozygotes.

Submissions (2):

Ambry Genetics
Classification: Uncertain significance for Cardiovascular phenotype. Last evaluated: 2025-09-01. Review status: criteria provided, single submitter. Criteria: Ambry Variant Classification Scheme 2023. Collection method: clinical testing. Allele origin: germline.

GeneDx
Classification: Uncertain significance. Last evaluated: 2020-09-22. Review status: criteria provided, single submitter. Criteria: GeneDx Variant Classification Process June 2021. Collection method: clinical testing. Allele origin: germline. Affected: yes.
Comment: Has not been previously published as pathogenic or benign to our knowledge; Not observed at a significant frequency in large population cohorts (Lek et al., 2016); In silico analysis, which includes protein predictors and evolutionary conservation, supports a deleterious effect

NM_001148.6(ANK2):c.4192C>T (p.His1398Tyr)

Gene: ANK2 (ankyrin 2; plus strand). Cytogenetic location: 4q26.
Variant type: single nucleotide variant.
Coding change: c.4192C>T on transcript NM_001148.6 (MANE Select); coding-DNA position 4192, C replaced by T.
Protein change: p.His1398Tyr; replaces histidine 1398 with tyrosine.
Molecular consequence: missense variant.
Genome position (GRCh38, 1-based): chr4:113,343,086, C>T. VCF-style: chr4-113343086-C-T. GRCh37 (hg19) VCF-style: chr4-114264242-C-T.
Other names: c.4165C>T, p.His1389Tyr (NM_001127493.3); c.4204C>T, p.His1402Tyr (NM_001354225.2); c.4093C>T, p.His1365Tyr (NM_001354228.2, NM_001354258.2); c.4171C>T, p.His1391Tyr (NM_001354230.2); c.4234C>T, p.His1412Tyr (NM_001354231.2, NM_001354242.2); c.4228C>T, p.His1410Tyr (NM_001354232.2); c.4189C>T, p.His1397Tyr (NM_001354235.2, NM_001354246.2, NM_001354265.2); c.4090C>T, p.His1364Tyr (NM_001354236.2); and 31 more; short protein forms H1237Y, H1270Y, H1298Y, H1303Y, H1311Y, H1323Y, H1327Y, H1331Y.
Identifiers: ClinVar variation 1211731 (VCV001211731.4), dbSNP rs747720677, ClinGen allele CA3051008.